The following is an entry in ClinVar:

ClinVar aggregate classification (germline): Conflicting classifications of pathogenicity. Review status: criteria provided, conflicting classifications (1 of 4 stars). 2 submissions from 2 submitters: Uncertain significance (1); Likely benign (1). Last evaluated 2026-08-14.

Conditions:
Hereditary cancer-predisposing syndrome. Also called: Hereditary Cancer Syndrome; Hereditary neoplastic syndrome; Neoplastic Syndromes, Hereditary; Tumor predisposition. Identifiers: Orphanet 140162, MedGen C0027672, MeSH D009386, MONDO:0015356.
Hereditary nonpolyposis colorectal neoplasms. Identifiers: MedGen C0009405, MeSH D003123.

Allele frequency attached by ClinVar (database versions not stated): gnomAD exomes below 0.00001.
gnomAD v4.1: 1 of 1,614,110 alleles (0.000062%); highest among the groups gnomAD compares: Non-Finnish European, 0.000085%; no homozygotes.

Submissions (2):

Ambry Genetics
Classification: Likely benign for Hereditary cancer-predisposing syndrome. Last evaluated: 2026-08-14. Review status: criteria provided, single submitter. Criteria: Ambry Variant Classification Scheme 2023. Collection method: clinical testing. Allele origin: germline.

Labcorp Genetics (formerly Invitae), Labcorp
Classification: Uncertain significance for Hereditary nonpolyposis colorectal neoplasms. Last evaluated: 2023-09-14. Review status: criteria provided, single submitter. Criteria: Invitae Variant Classification Sherloc (09022015). Collection method: clinical testing. Allele origin: germline.
Comment: This variant has not been reported in the literature in individuals affected with PMS2-related conditions. This sequence change replaces cysteine, which is neutral and slightly polar, with tyrosine, which is neutral and polar, at codon 515 of the PMS2 protein (p.Cys515Tyr). This variant is not present in population databases (gnomAD no frequency). ClinVar contains an entry for this variant (Variation ID: 1774903). Advanced modeling of protein sequence and biophysical properties (such as structural, functional, and spatial information, amino acid conservation, physicochemical variation, residue mobility, and thermodynamic stability) performed at Invitae indicates that this missense variant is not expected to disrupt PMS2 protein function. In summary, the available evidence is currently insufficient to determine the role of this variant in disease. Therefore, it has been classified as a Variant of Uncertain Significance.

NM_000535.7(PMS2):c.1544G>A (p.Cys515Tyr)

Gene: PMS2 (PMS1 homolog 2, mismatch repair system component; minus strand). Cytogenetic location: 7p22.1.
Variant type: single nucleotide variant.
Coding change: c.1544G>A on transcript NM_000535.7 (MANE Select); coding-DNA position 1544, G replaced by A.
Protein change: p.Cys515Tyr; replaces cysteine 515 with tyrosine.
Molecular consequence: missense variant. On other transcripts: non-coding transcript variant (1).
Genome position (GRCh38, 1-based): chr7:5,987,221, C>T on the plus strand (G>A on the coding strand, the complement: PMS2 is on the minus strand). VCF-style: chr7-5987221-C-T. GRCh37 (hg19) VCF-style: chr7-6026852-C-T.
Other names: c.1346G>A, p.Cys449Tyr (NM_001406873.1); c.1376G>A, p.Cys459Tyr (NM_001406874.1); c.1235G>A, p.Cys412Tyr (NM_001406875.1, NM_001406877.1, NM_001406878.1 and 5 more transcripts); c.1226G>A, p.Cys409Tyr (NM_001406876.1, NM_001322007.2, NM_001322008.2 and 2 more transcripts); c.1139G>A, p.Cys380Tyr (NM_001406892.1, NM_001406893.1, NM_001406894.1 and 17 more transcripts); c.1079G>A, p.Cys360Tyr (NM_001406900.1); c.1070G>A, p.Cys357Tyr (NM_001406901.1, NM_001406902.1); c.1388G>A, p.Cys463Tyr (NM_001322006.2, NM_001406870.1); and 12 more; short protein forms C357Y, C403Y, C412Y, C449Y, C324Y, C459Y, C515Y, C328Y.
Identifiers: ClinVar variation 1774903 (VCV001774903.6), dbSNP rs2128728362, ClinGen allele CA366741623.